The following is an entry in ClinVar:

ClinVar aggregate classification (germline): Uncertain significance. Review status: criteria provided, multiple submitters, no conflicts (2 of 4 stars). 3 submissions from 3 submitters: Uncertain significance (3). Last evaluated 2026-02-25.

Conditions:
Intellectual disability, autosomal recessive 53 (NEDHSCA). Also called: GLYCOSYLPHOSPHATIDYLINOSITOL BIOSYNTHESIS DEFECT 13; Mental retardation, autosomal recessive 53; NEURODEVELOPMENTAL DISORDER WITH OR WITHOUT HYPOTONIA, SEIZURES, AND CEREBELLAR ATROPHY. Identifiers: Orphanet 488635, MedGen C4310794, MONDO:0014832, OMIM 616917.
Inborn genetic diseases. Identifiers: MedGen C0950123, MeSH D030342.

Allele frequency attached by ClinVar (database versions not stated): ExAC 0.00004; gnomAD exomes 0.00005 and 0.00007; TOPMed 0.00006; 1000 Genomes Project 30x 0.00016; 1000 Genomes Project 0.00020.
gnomAD v4.1: 115 of 1,614,004 alleles (0.0071%); highest among the groups gnomAD compares: East Asian, 0.045%; no homozygotes.

Submissions (3):

GeneDx
Classification: Uncertain significance. Last evaluated: 2026-02-25. Review status: criteria provided, single submitter. Criteria: GeneDx Variant Classification Process June 2021. Collection method: clinical testing. Allele origin: germline.
Comment: In silico analysis suggests that this missense variant does not alter protein structure/function; Has not been previously published as pathogenic or benign to our knowledge

Ambry Genetics
Classification: Uncertain significance for Inborn genetic diseases. Last evaluated: 2024-05-10. Review status: criteria provided, single submitter. Criteria: Ambry Variant Classification Scheme 2023. Collection method: clinical testing. Allele origin: germline.

Labcorp Genetics (formerly Invitae), Labcorp
Classification: Uncertain significance for Intellectual disability, autosomal recessive 53. Last evaluated: 2022-08-31. Review status: criteria provided, single submitter. Criteria: Invitae Variant Classification Sherloc (09022015). Collection method: clinical testing. Allele origin: germline.
Comment: This sequence change replaces valine, which is neutral and non-polar, with isoleucine, which is neutral and non-polar, at codon 707 of the PIGG protein (p.Val707Ile). This variant is present in population databases (rs574857300, gnomAD 0.02%). This variant has not been reported in the literature in individuals affected with PIGG-related conditions. ClinVar contains an entry for this variant (Variation ID: 648679). Algorithms developed to predict the effect of missense changes on protein structure and function output the following: SIFT: "Tolerated"; PolyPhen-2: "Benign"; Align-GVGD: "Class C0". The isoleucine amino acid residue is found in multiple mammalian species, which suggests that this missense change does not adversely affect protein function. In summary, the available evidence is currently insufficient to determine the role of this variant in disease. Therefore, it has been classified as a Variant of Uncertain Significance.

NM_001127178.3(PIGG):c.2119G>A (p.Val707Ile)

Gene: PIGG (phosphatidylinositol glycan anchor biosynthesis class G (EMM blood group); plus strand). Cytogenetic location: 4p16.3.
Variant type: single nucleotide variant.
Coding change: c.2119G>A on transcript NM_001127178.3 (MANE Select); coding-DNA position 2119, G replaced by A.
Protein change: p.Val707Ile; replaces valine 707 with isoleucine.
Molecular consequence: missense variant. On other transcripts: non-coding transcript variant (10).
Genome position (GRCh38, 1-based): chr4:527,088, G>A. VCF-style: chr4-527088-G-A. GRCh37 (hg19) VCF-style: chr4-520877-G-A.
Other names: c.1852G>A, p.Val618Ile (NM_001289051.2, NM_001345986.2); c.1720G>A, p.Val574Ile (NM_001289052.2); c.1828G>A, p.Val610Ile (NM_001345987.2); c.1090G>A, p.Val364Ile (NM_001345988.2); c.586G>A, p.Val196Ile (NM_001345990.2, NM_001345991.2); c.1021G>A, p.Val341Ile (NM_001345994.2); c.2095G>A, p.Val699Ile (NM_017733.5); c.2119G>A (NM_001127178.1); short protein forms V341I, V364I, V618I, V707I, V196I, V574I, V610I, V699I.
Identifiers: ClinVar variation 648679 (VCV000648679.9), dbSNP rs574857300, ClinGen allele CA2793550.